The following is an entry in ClinVar:

NM_018062.4(FANCL):c.903+1G>T

Gene: FANCL (FA complementation group L; minus strand). Cytogenetic location: 2p16.1.
Variant type: single nucleotide variant.
Coding change: c.903+1G>T on transcript NM_018062.4 (MANE Select); the canonical splice donor site of the intron after coding-DNA position 903, G replaced by T.
Molecular consequence: splice donor variant.
Genome position (GRCh38, 1-based): chr2:58,162,865, C>A on the plus strand (G>T on the coding strand, the complement: FANCL is on the minus strand). VCF-style: chr2-58162865-C-A. GRCh37 (hg19) VCF-style: chr2-58390000-C-A.
Other names: c.948+1G>T (NM_001374615.1); c.918+1G>T (NM_001114636.2); c.963+1G>T (NM_001410792.1).
Identifiers: ClinVar variation 2911005 (VCV002911005.5), dbSNP rs1173663404, ClinGen allele CA346934833.

ClinVar aggregate classification (germline): Pathogenic/Likely pathogenic. Review status: criteria provided, multiple submitters, no conflicts (2 of 4 stars). 2 submissions from 2 submitters: Pathogenic (1); Likely pathogenic (1). Last evaluated 2026-05-01.

Conditions:
Fanconi anemia (FA). Also called: Fanconi's anemia. Identifiers: Orphanet 84, MedGen C0015625, MeSH D005199, MONDO:0019391.

Allele frequency attached by ClinVar (database versions not stated): gnomAD 0.00001.
gnomAD v4.1: 3 of 1,609,768 alleles (0.00019%); highest among the groups gnomAD compares: Non-Finnish European, 0.00025%; no homozygotes.

Submissions (2):

CeGaT Center for Human Genetics Tuebingen
Classification: Pathogenic. Last evaluated: 2026-05-01. Review status: criteria provided, single submitter. Criteria: CeGaT Center For Human Genetics Tuebingen Variant Classification Criteria Version 2. Collection method: clinical testing. Allele origin: germline. Affected: yes. Observed: 1 variant allele.
Comment: FANCL: PVS1, PM2

Labcorp Genetics (formerly Invitae), Labcorp
Classification: Likely pathogenic for Fanconi anemia. Last evaluated: 2025-07-23. Review status: criteria provided, single submitter. Criteria: Invitae Variant Classification Sherloc (09022015). Collection method: clinical testing. Allele origin: germline.
Comment: This sequence change affects a donor splice site in intron 11 of the FANCL gene. It is expected to disrupt RNA splicing. Variants that disrupt the donor or acceptor splice site typically lead to a loss of protein function (PMID: 16199547), and loss-of-function variants in FANCL are known to be pathogenic (PMID: 19405097, 23613520). This variant is present in population databases (no rsID available, gnomAD 0.002%). This variant has not been reported in the literature in individuals affected with FANCL-related conditions. ClinVar contains an entry for this variant (Variation ID: 2911005). Algorithms developed to predict the effect of sequence changes on RNA splicing suggest that this variant may disrupt the consensus splice site. In summary, the currently available evidence indicates that the variant is pathogenic, but additional data are needed to prove that conclusively. Therefore, this variant has been classified as Likely Pathogenic.

Literature cited by the submitters: PubMed 16199547 (cited by Labcorp Genetics (formerly Invitae), Labcorp); PubMed 19405097 (cited by Labcorp Genetics (formerly Invitae), Labcorp); PubMed 23613520 (cited by Labcorp Genetics (formerly Invitae), Labcorp).